The following is an entry in ClinVar:

ClinVar aggregate classification (germline): Uncertain significance (1 of 4 stars; one submission).

gnomAD v4.1: 4 of 1,613,440 alleles (0.00025%); no homozygotes.

Submission:

Ambry Genetics
Classification: Uncertain significance. Last evaluated: 2024-10-19. Review status: criteria provided, single submitter. Criteria: Ambry Variant Classification Scheme 2023. Collection method: clinical testing. Allele origin: germline.
Comment: The p.E963Q variant (also known as c.2887G>C), located in coding exon 16 of the PKP4 gene, results from a G to C substitution at nucleotide position 2887. The glutamic acid at codon 963 is replaced by glutamine, an amino acid with highly similar properties. This amino acid position is conserved. In addition, this alteration is predicted to be tolerated by in silico analysis. Based on the available evidence, the clinical significance of this variant remains unclear.

NM_003628.6(PKP4):c.2887G>C (p.Glu963Gln)

Genes: PKP4 (plakophilin 4; plus strand), PKP4-AS1 (PKP4 antisense RNA 1; minus strand). Cytogenetic location: 2q24.1.
Variant type: single nucleotide variant.
Coding change: c.2887G>C on transcript NM_003628.6 (MANE Select); coding-DNA position 2887, G replaced by C.
Protein change: p.Glu963Gln; replaces glutamic acid 963 with glutamine.
Molecular consequence: missense variant.
Genome position (GRCh38, 1-based): chr2:158,669,878, G>C. VCF-style: chr2-158669878-G-C. GRCh37 (hg19) VCF-style: chr2-159526390-G-C.
Other names: c.2887G>C, p.Glu963Gln (NM_001005476.4, NM_001377218.1, NM_001377225.1); c.2884G>C, p.Glu962Gln (NM_001304969.3, NM_001377219.1, NM_001377220.1 and 2 more transcripts); c.1858G>C, p.Glu620Gln (NM_001304970.3); c.2881G>C, p.Glu961Gln (NM_001377222.1, NM_001377223.1); c.2878G>C, p.Glu960Gln (NM_001377224.1); short protein forms E961Q, E620Q, E962Q, E963Q, E960Q.
Identifiers: ClinVar variation 3419581 (VCV003419581.1).